The following is an entry in ClinVar:

NM_021098.3(CACNA1H):c.859A>G (p.Asn287Asp)

Gene: CACNA1H (calcium voltage-gated channel subunit alpha1 H; plus strand). Cytogenetic location: 16p13.3.
Variant type: single nucleotide variant.
Coding change: c.859A>G on transcript NM_021098.3 (MANE Select); coding-DNA position 859, A replaced by G.
Protein change: p.Asn287Asp; replaces asparagine 287 with aspartic acid.
Molecular consequence: missense variant.
Genome position (GRCh38, 1-based): chr16:1,200,311, A>G. VCF-style: chr16-1200311-A-G. GRCh37 (hg19) VCF-style: chr16-1250311-A-G.
Other names: c.859A>G, p.Asn287Asp (NM_001005407.2); short protein forms N287D.
Identifiers: ClinVar variation 1194371 (VCV001194371.3), dbSNP rs753361068, ClinGen allele CA394156032.

ClinVar aggregate classification (germline): Uncertain significance (1 of 4 stars; one submission).

Submission:

GeneDx
Classification: Uncertain significance. Last evaluated: 2025-01-16. Review status: criteria provided, single submitter. Criteria: GeneDx Variant Classification Process June 2021. Collection method: clinical testing. Allele origin: germline. Affected: yes.
Comment: Not observed at significant frequency in large population cohorts (gnomAD); In silico analysis indicates that this missense variant does not alter protein structure/function; Has not been previously published as pathogenic or benign to our knowledge